The following is an entry in ClinVar:

ClinVar aggregate classification (germline): Likely benign. Review status: criteria provided, single submitter (1 of 4 stars). 2 submissions from 2 submitters: Likely benign (1). 1 of the submissions does not count toward it. Last evaluated 2023-06-02.

Conditions:
NEB-related disorder. Also called: NEB-Related Disorders; NEB-related condition.
Nemaline myopathy 2 (NEM2). Also called: Nemaline myopathy 2, autosomal recessive. Identifiers: MedGen C1850569, MONDO:0009725, OMIM 256030.

Allele frequency attached by ClinVar (database versions not stated): gnomAD exomes below 0.00001.
gnomAD v4.1: 1 of 1,613,916 alleles (0.000062%); highest among the groups gnomAD compares: Non-Finnish European, 0.000085%; no homozygotes.

Submissions (2):

Labcorp Genetics (formerly Invitae), Labcorp
Classification: Likely benign for Nemaline myopathy 2. Last evaluated: 2023-06-02. Review status: criteria provided, single submitter. Criteria: Invitae Variant Classification Sherloc (09022015). Collection method: clinical testing. Allele origin: germline.

PreventionGenetics, part of Exact Sciences
Classification: Likely benign for NEB-related condition. Last evaluated: 2019-03-13. Review status: no assertion criteria provided. Collection method: clinical testing. Allele origin: germline. Not counted in ClinVar's aggregate classification.
Comment: This variant is classified as likely benign based on ACMG/AMP sequence variant interpretation guidelines (Richards et al. 2015 PMID: 25741868, with internal and published modifications).

NM_001164508.2(NEB):c.10023C>T (p.Ala3341=)

Gene: NEB (nebulin; minus strand). Cytogenetic location: 2q23.3.
Variant type: single nucleotide variant.
Coding change: c.10023C>T on transcript NM_001164508.2 (MANE Select); coding-DNA position 10023, C replaced by T.
Protein change: p.Ala3341=; no amino-acid change (alanine 3341 retained).
Molecular consequence: synonymous variant.
Genome position (GRCh38, 1-based): chr2:151,627,643, G>A on the plus strand (C>T on the coding strand, the complement: NEB is on the minus strand). VCF-style: chr2-151627643-G-A. GRCh37 (hg19) VCF-style: chr2-152484157-G-A.
Other names: c.10023C>T, p.Ala3341= (NM_001164507.2, NM_001271208.2); c.9294C>T, p.Ala3098= (NM_004543.5).
Identifiers: ClinVar variation 2793700 (VCV002793700.5), dbSNP rs2098551126, ClinGen allele CA429238935.
Genomic context (GRCh38, chr2:151,627,643, plus strand): 5'-CGTCCACTCGTGCAGGTAGTTCTTGTAGTCCACATCGCTGACTAAGGTCTGGCACTTCTT[G>A]GCTAACACCACTCCCAGCATGTCCACTGGGCTGCTGAACTTGGTCTTCCACTTCTCAAAG-3'
Protein context (NP_001157980.2, residues 3331-3351): SPVDMLGVVL[Ala3341=]KKCQTLVSDV